The following is an entry in ClinVar:

ClinVar aggregate classification (germline): Uncertain significance. Review status: criteria provided, multiple submitters, no conflicts (2 of 4 stars). 3 submissions from 3 submitters: Uncertain significance (3). Last evaluated 2025-08-12.

Conditions:
Inborn genetic diseases. Identifiers: MedGen C0950123, MeSH D030342.
Glycogen storage disease type III (GSD3). Also called: Cori disease; FORBES DISEASE. Identifiers: Orphanet 366, MedGen C0017922, MONDO:0009291, OMIM 232400.

Allele frequency attached by ClinVar (database versions not stated): gnomAD 0.00001; gnomAD exomes 0.00001; TOPMed 0.00001; ExAC 0.00004.
gnomAD v4.1: 9 of 1,613,574 alleles (0.00056%); highest among the groups gnomAD compares: East Asian, 0.02%; no homozygotes.

Submissions (3):

Ambry Genetics
Classification: Uncertain significance for Inborn genetic diseases. Last evaluated: 2025-08-12. Review status: criteria provided, single submitter. Criteria: Ambry Variant Classification Scheme 2023. Collection method: clinical testing. Allele origin: germline.

Genome-Nilou Lab
Classification: Uncertain significance for Glycogen storage disease type III. Last evaluated: 2023-04-11. Review status: criteria provided, single submitter. Criteria: ACMG Guidelines, 2015. Collection method: clinical testing. Allele origin: germline. Affected: no.

Labcorp Genetics (formerly Invitae), Labcorp
Classification: Uncertain significance for Glycogen storage disease type III. Last evaluated: 2022-05-15. Review status: criteria provided, single submitter. Criteria: Invitae Variant Classification Sherloc (09022015). Collection method: clinical testing. Allele origin: germline.
Comment: This sequence change replaces isoleucine, which is neutral and non-polar, with serine, which is neutral and polar, at codon 1058 of the AGL protein (p.Ile1058Ser). This variant is present in population databases (rs761566478, gnomAD 0.07%). This variant has not been reported in the literature in individuals affected with AGL-related conditions. Algorithms developed to predict the effect of missense changes on protein structure and function (SIFT, PolyPhen-2, Align-GVGD) all suggest that this variant is likely to be tolerated. Algorithms developed to predict the effect of sequence changes on RNA splicing suggest that this variant may create or strengthen a splice site. In summary, the available evidence is currently insufficient to determine the role of this variant in disease. Therefore, it has been classified as a Variant of Uncertain Significance.

NM_000642.3(AGL):c.3173T>G (p.Ile1058Ser)

Gene: AGL (amylo-alpha-1,6-glucosidase and 4-alpha-glucanotransferase; plus strand). Cytogenetic location: 1p21.2.
Variant type: single nucleotide variant.
Coding change: c.3173T>G on transcript NM_000642.3 (MANE Select); coding-DNA position 3173, T replaced by G.
Protein change: p.Ile1058Ser; replaces isoleucine 1058 with serine.
Molecular consequence: missense variant.
Genome position (GRCh38, 1-based): chr1:99,892,521, T>G. VCF-style: chr1-99892521-T-G. GRCh37 (hg19) VCF-style: chr1-100358077-T-G.
Other names: c.3173T>G, p.Ile1058Ser (NM_000028.3, NM_000643.3, NM_000644.3 and 1 more transcripts); c.3125T>G, p.Ile1042Ser (NM_000646.3); c.3152T>G, p.Ile1051Ser (NM_001425326.1); c.2972T>G, p.Ile991Ser (NM_001425327.1); c.2969T>G, p.Ile990Ser (NM_001425328.1); c.2834T>G, p.Ile945Ser (NM_001425329.1); c.2795T>G, p.Ile932Ser (NM_001425332.1); short protein forms I1058S, I1042S, I1051S, I932S, I945S, I990S, I991S.
Identifiers: ClinVar variation 2197143 (VCV002197143.5), dbSNP rs761566478, ClinGen allele CA966994.